The following is an entry in ClinVar:

NM_007294.4(BRCA1):c.3169A>C (p.Ser1057Arg)

Gene: BRCA1 (BRCA1 DNA repair associated; minus strand). Cytogenetic location: 17q21.31.
Variant type: single nucleotide variant.
Coding change: c.3169A>C on transcript NM_007294.4 (MANE Select); coding-DNA position 3169, A replaced by C.
Protein change: p.Ser1057Arg; replaces serine 1057 with arginine.
Molecular consequence: missense variant. On other transcripts: intron variant (137).
Genome position (GRCh38, 1-based): chr17:43,092,362, T>G on the plus strand (A>C on the coding strand, the complement: BRCA1 is on the minus strand). VCF-style: chr17-43092362-T-G. GRCh37 (hg19) VCF-style: chr17-41244379-T-G.
Other names: c.2959A>C, p.Ser987Arg (NM_001407887.1, NM_001407889.1, NM_001407879.1 and 13 more transcripts); c.2956A>C, p.Ser986Arg (NM_001407896.1, NM_001407897.1, NM_001407894.1 and 9 more transcripts); c.647-1330A>C (NM_001408457.1, NM_001408460.1, NM_001408454.1 and 11 more transcripts); c.521-1330A>C (NM_001408505.1, NM_001408504.1, NM_001408503.1); c.461-1330A>C (NM_001408507.1, NM_001408506.1); c.545-1330A>C (NM_001408495.1); c.662-1330A>C (NM_001408448.1, NM_001408445.1, NM_001408432.1 and 6 more transcripts); c.668-1330A>C (NM_001408421.1, NM_001408431.1, NM_001408424.1); and 41 more; short protein forms S1057R, S1010R, S1009R, S1031R, S761R, S930R, S946R, S986R.
Identifiers: ClinVar variation 230222 (VCV000230222.8), dbSNP rs80357479, ClinGen allele CA10580577.

ClinVar aggregate classification (germline): Conflicting classifications of pathogenicity. Review status: criteria provided, conflicting classifications (1 of 4 stars). 2 submissions from 2 submitters: Uncertain significance (1); Likely benign (1). Last evaluated 2024-01-31.

Conditions:
Hereditary cancer-predisposing syndrome. Also called: Hereditary neoplastic syndrome; Hereditary Cancer Syndrome; Neoplastic Syndromes, Hereditary; Tumor predisposition. Identifiers: Orphanet 140162, MedGen C0027672, MeSH D009386, MONDO:0015356.

Submissions (2):

Ambry Genetics
Classification: Uncertain significance for Hereditary cancer-predisposing syndrome. Last evaluated: 2024-01-31. Review status: criteria provided, single submitter. Criteria: Ambry Variant Classification Scheme 2023. Collection method: clinical testing. Allele origin: germline.
Comment: The p.S1057R variant (also known as c.3169A>C), located in coding exon 9 of the BRCA1 gene, results from an A to C substitution at nucleotide position 3169. The serine at codon 1057 is replaced by arginine, an amino acid with dissimilar properties. This amino acid position is well conserved in available vertebrate species. In addition, the in silico prediction for this alteration is inconclusive. Based on the available evidence, the clinical significance of this alteration remains unclear.

University of Washington Department of Laboratory Medicine, University of Washington
Classification: Likely benign for Hereditary cancer-predisposing syndrome. Last evaluated: 2023-03-23. Review status: criteria provided, single submitter. Criteria: Dines et al. (Genet Med. 2020). Collection method: curation. Allele origin: germline.
Comment: Missense variant in a coldspot region where missense variants are very unlikely to be pathogenic (PMID:31911673).

BRCA1 coldspot (exon 11 using historical exon numbering). Reclassification based on statistical prior probability